The following is an entry in ClinVar:

ClinVar aggregate classification (germline): Benign (1 of 4 stars; one submission).

Conditions:
Familial cancer of breast. Also called: hereditary breast carcinoma; Hereditary breast cancer; BREAST CANCER, FAMILIAL. Identifiers: Orphanet 227535, MedGen C0346153, MONDO:0016419, OMIM 114480. Disease mechanism: loss of function.

Submission:

Myriad Genetics, Inc.
Classification: Benign for Familial cancer of breast. Last evaluated: 2024-08-22. Review status: criteria provided, single submitter. Criteria: Myriad Autosomal Dominant, Autosomal Recessive and X-Linked Classification Criteria (2023). Collection method: clinical testing. Allele origin: unknown.
Comment: This variant is considered benign. This variant is a silent/synonymous amino acid change and it is not expected to impact splicing.

NM_032043.3(BRIP1):c.792G>C (p.Arg264=)

Gene: BRIP1 (BRCA1 interacting DNA helicase 1; minus strand). Cytogenetic location: 17q23.2.
Variant type: single nucleotide variant.
Coding change: c.792G>C on transcript NM_032043.3 (MANE Select); coding-DNA position 792, G replaced by C.
Protein change: p.Arg264=; no amino-acid change (arginine 264 retained).
Molecular consequence: synonymous variant.
Genome position (GRCh38, 1-based): chr17:61,808,593, C>G on the plus strand (G>C on the coding strand, the complement: BRIP1 is on the minus strand). VCF-style: chr17-61808593-C-G. GRCh37 (hg19) VCF-style: chr17-59885954-C-G.
Identifiers: ClinVar variation 3378662 (VCV003378662.1).